The following is an entry in ClinVar:

ClinVar aggregate classification (germline): Uncertain significance (1 of 4 stars; one submission).

Conditions:
Cardiovascular phenotype. Identifiers: MedGen CN230736.

Submission:

Ambry Genetics
Classification: Uncertain significance for Cardiovascular phenotype. Last evaluated: 2020-09-18. Review status: criteria provided, single submitter. Criteria: Ambry Variant Classification Scheme 2023. Collection method: clinical testing. Allele origin: germline.
Comment: The p.T755N variant (also known as c.2264C>A), located in coding exon 8 of the ALMS1 gene, results from a C to A substitution at nucleotide position 2264. The threonine at codon 755 is replaced by asparagine, an amino acid with similar properties. This amino acid position is not well conserved in available vertebrate species. In addition, this alteration is predicted to be tolerated by in silico analysis. Since supporting evidence is limited at this time, the clinical significance of this alteration remains unclear.

NM_001378454.1(ALMS1):c.2261C>A (p.Thr754Asn)

Gene: ALMS1 (ALMS1 centrosome and basal body associated protein; plus strand). Cytogenetic location: 2p13.1.
Variant type: single nucleotide variant.
Coding change: c.2261C>A on transcript NM_001378454.1 (MANE Select); coding-DNA position 2261, C replaced by A.
Protein change: p.Thr754Asn; replaces threonine 754 with asparagine.
Molecular consequence: missense variant.
Genome position (GRCh38, 1-based): chr2:73,448,788, C>A. VCF-style: chr2-73448788-C-A. GRCh37 (hg19) VCF-style: chr2-73675915-C-A.
Other names: c.2264C>A, p.Thr755Asn (NM_015120.4); short protein forms T754N, T755N.
Identifiers: ClinVar variation 1788679 (VCV001788679.2), dbSNP rs2466094080, ClinGen allele CA347267431.